The following is an entry in ClinVar:

ClinVar aggregate classification (germline): Likely benign (1 of 4 stars; one submission).

Allele frequency attached by ClinVar (database versions not stated): gnomAD 0.00010; gnomAD exomes 0.00010; ExAC 0.00013; TOPMed 0.00014; ESP Exome Variant Server 0.00023.
gnomAD v4.1: 175 of 1,611,206 alleles (0.011%); highest among the groups gnomAD compares: South Asian, 0.0099%; no homozygotes.

Submission:

CeGaT Center for Human Genetics Tuebingen
Classification: Likely benign. Last evaluated: 2022-11-01. Review status: criteria provided, single submitter. Criteria: CeGaT Center For Human Genetics Tuebingen Variant Classification Criteria Version 2. Collection method: clinical testing. Allele origin: germline. Affected: yes. Observed: 1 variant allele.
Comment: B4GALNT4: BP4, BP7

NM_178537.5(B4GALNT4):c.1011G>A (p.Leu337=)

Gene: B4GALNT4 (beta-1,4-N-acetyl-galactosaminyltransferase 4; plus strand). Cytogenetic location: 11p15.5.
Variant type: single nucleotide variant.
Coding change: c.1011G>A on transcript NM_178537.5 (MANE Select); coding-DNA position 1011, G replaced by A.
Protein change: p.Leu337=; no amino-acid change (leucine 337 retained).
Molecular consequence: synonymous variant.
Genome position (GRCh38, 1-based): chr11:375,872, G>A. VCF-style: chr11-375872-G-A. GRCh37 (hg19) VCF-style: chr11-375872-G-A.
Identifiers: ClinVar variation 2641040 (VCV002641040.24), dbSNP rs375662614, ClinGen allele CA5774627.
Genomic context (GRCh38, chr11:375,872, plus strand): 5'-CTGCCCCAGCCACCCTGTGACCGCACCTCCTGCAGCTCCACGCATGGAATCTTCGAGCCT[G>A]GAGAACGTGCTGGAGCCCTGCGCCTACGCCCCCACCTACGTGGTCAAGGACTTCCCGATC-3'
Protein context (NP_848632.2, residues 327-347): FLTPRMESSS[Leu337=]ENVLEPCAYA